The following is an entry in ClinVar:

NM_007294.4(BRCA1):c.5359T>A (p.Cys1787Ser)

Gene: BRCA1 (BRCA1 DNA repair associated; minus strand). Cytogenetic location: 17q21.31.
Variant type: single nucleotide variant.
Coding change: c.5359T>A on transcript NM_007294.4 (MANE Select); coding-DNA position 5359, T replaced by A.
Protein change: p.Cys1787Ser; replaces cysteine 1787 with serine.
Molecular consequence: missense variant. On other transcripts: non-coding transcript variant (1), intron variant (1).
Genome position (GRCh38, 1-based): chr17:43,049,168, A>T on the plus strand (T>A on the coding strand, the complement: BRCA1 is on the minus strand). VCF-style: chr17-43049168-A-T. GRCh37 (hg19) VCF-style: chr17-41201185-A-T.
Other names: 5478T>A; c.5215T>A, p.Cys1739Ser (NM_001407740.1, NM_001407750.1, NM_001407751.1 and 18 more transcripts); c.5155T>A, p.Cys1719Ser (NM_001407863.1); c.5152T>A, p.Cys1718Ser (NM_001407874.1, NM_001407875.1); c.5149T>A, p.Cys1717Ser (NM_001407879.1, NM_001407881.1, NM_001407882.1 and 5 more transcripts); c.5146T>A, p.Cys1716Ser (NM_001407904.1, NM_001407906.1, NM_001407907.1 and 12 more transcripts); c.5143T>A, p.Cys1715Ser (NM_001407915.1, NM_001407916.1, NM_001407917.1 and 1 more transcripts); c.5020T>A, p.Cys1674Ser (NM_001407957.1, NM_001407958.1, NM_001407956.1); and 74 more; short protein forms C1787S, C1740S, C1808S, C683S, C1698S, C1699S, C1717S, C1719S.
Identifiers: ClinVar variation 55548 (VCV000055548.55), dbSNP rs80357065, ClinGen allele CA003525.
Genomic context (GRCh38, chr17:43,049,168, plus strand): 5'-ACCCAATACTTACTGTGCCAAGGGTGAATGATGAAAGCTCCTTCACCACAGAAGCACCAC[A>T]CAGCTGTACCATCCATTCCAGTTGATCTAAAATGGACATTTAGATGTAAAATCACTGCAG-3'
Protein context (NP_009225.1, residues 1777-1797): TDQLEWMVQL[Cys1787Ser]GASVVKELSS

ClinVar aggregate classification (germline): not provided. Review status: reviewed by expert panel (3 of 4 stars). 6 submissions from 6 submitters: not provided (1). 5 of the submissions do not count toward it. Last evaluated 2019-03-25.

Conditions:
Hereditary breast ovarian cancer syndrome. Also called: BRCA1- and BRCA2-Associated Hereditary Breast and Ovarian Cancer; Hereditary breast and ovarian cancer syndrome; Hereditary breast and ovarian cancer syndrome (HBOC); Breast and ovarian cancer; Hereditary breast and/or ovarian cancer syndrome; Hereditary breast and ovarian cancer. Identifiers: Orphanet 145, MedGen C0677776, MeSH D061325, MONDO:0003582. Disease mechanism: loss of function.
Breast-ovarian cancer, familial, susceptibility to, 1 (BROVCA1). Also called: BRCA1 Hereditary Breast and Ovarian Cancer; OVARIAN CANCER, SUSCEPTIBILITY TO. Identifiers: Orphanet 145, MedGen C2676676, MONDO:0011450, OMIM 604370. Disease mechanism: loss of function.
Hereditary cancer-predisposing syndrome. Also called: Hereditary Cancer Syndrome; Hereditary neoplastic syndrome; Neoplastic Syndromes, Hereditary; Tumor predisposition. Identifiers: Orphanet 140162, MedGen C0027672, MeSH D009386, MONDO:0015356.

Allele frequency attached by ClinVar (database versions not stated): TOPMed below 0.00001.

Submissions (7):

Evidence-based Network for the Interpretation of Germline Mutant Alleles (ENIGMA)
No classification provided. Condition: Breast-ovarian cancer, familial, susceptibility to, 1. Last evaluated: 2019-03-25. Review status: reviewed by expert panel. Collection method: curation. Allele origin: germline.
Comment: To our knowledge this variant has not been seen alone. Clinical evidence in Goldgar et al 2004 (PMID: 15290653) is not applicable unless this variant is observed in cis with c.5363G>A (Variation ID 55551). We recommend that if c.5359T>A is detected in an individual, presence of c.5363G>A should be assessed. Functional assay data analysis of the c.5359T>A variant suggests that it doesn't alter protein function alone, but that it does alter function when in combination with BRCA1 c.5363G>A (PMID: 30765603; 30209399). For more information see the haplotype entry BRCA1 c.[5359T>A;5363G>A] (Variant ID 624568).

Labcorp Genetics (formerly Invitae), Labcorp
Classification: Uncertain significance for Hereditary breast ovarian cancer syndrome. Last evaluated: 2024-04-30. Review status: criteria provided, single submitter. Criteria: Invitae Variant Classification Sherloc (09022015). Collection method: clinical testing. Allele origin: germline. Not counted in ClinVar's aggregate classification.
Comment: This sequence change replaces cysteine, which is neutral and slightly polar, with serine, which is neutral and polar, at codon 1787 of the BRCA1 protein (p.Cys1787Ser). This variant is not present in population databases (gnomAD no frequency). This variant has not been reported in the literature in individuals affected with BRCA1-related conditions. ClinVar contains an entry for this variant (Variation ID: 55548). Advanced modeling performed at Invitae incorporating data from internal and/or published experimental studies (PMID: 30209399) indicates that this missense variant is not expected to disrupt BRCA1 function with a negative predictive value of 95%. Experimental studies have shown that this missense change does not substantially affect BRCA1 function (PMID: 20378548, 20516115, 28781887, 30209399). This variant disrupts the p.Cys1787 amino acid residue in BRCA1. Other variant(s) that disrupt this residue have been determined to be pathogenic (PMID: 30209399, 33558524; Invitae). This suggests that this residue is clinically significant, and that variants that disrupt this residue are likely to be disease-causing. In summary, the available evidence is currently insufficient to determine the role of this variant in disease. Therefore, it has been classified as a Variant of Uncertain Significance.

Color Diagnostics, LLC DBA Color Health
Classification: Uncertain significance for Hereditary cancer-predisposing syndrome. Last evaluated: 2023-04-25. Review status: criteria provided, single submitter. Criteria: ACMG Guidelines, 2015. Collection method: clinical testing. Allele origin: germline. Not counted in ClinVar's aggregate classification.
Comment: This missense variant replaces cysteine with serine at codon 1787 of the BRCA1 protein. Computational prediction suggests that this variant may have deleterious impact on protein structure and function (internally defined REVEL score threshold >= 0.7, PMID: 27666373). Functional studies reported this variant as normal compared to wild-type control in transcription activation, haploid cell proliferation, protein stability and peptide binding assays (PMID: 20516115, 28781887, 30209399). This variant has been reported in cis with BRCA1 p.Gly1788Asp in several individuals and families affected with breast and/or ovarian cancer (PMID: 16030099, 18284688, 23233716, 25628955 , 26543556, 28959512). This variant has not been identified in the general population by the Genome Aggregation Database (gnomAD). The available evidence is insufficient to determine the role of this variant in disease conclusively. Therefore, this variant is classified as a Variant of Uncertain Significance.

Consortium of Investigators of Modifiers of BRCA1/2 (CIMBA), c/o University of Cambridge
Classification: Pathogenic for Breast-ovarian cancer, familial, susceptibility to, 1. Last evaluated: 2015-10-02. Review status: criteria provided, single submitter. Criteria: CIMBA Mutation Classification guidelines May 2016. Collection method: clinical testing. Allele origin: germline. Not counted in ClinVar's aggregate classification.

Sharing Clinical Reports Project (SCRP)
Classification: Pathogenic for Breast-ovarian cancer, familial 1. Last evaluated: 2008-04-07. Review status: no assertion criteria provided. Collection method: clinical testing. Allele origin: germline. Not counted in ClinVar's aggregate classification.

Breast Cancer Information Core (BIC) (BRCA1)
Classification: Uncertain significance for Breast-ovarian cancer, familial 1. Last evaluated: 2004-02-20. Review status: no assertion criteria provided. Collection method: clinical testing. Allele origin: germline. Affected: yes. Observed: 5 variant alleles. Not counted in ClinVar's aggregate classification.

Brotman Baty Institute, University of Washington
No classification provided (evidence only). Condition: Breast-ovarian cancer, familial 1. Review status: no classification provided. Collection method: in vitro. Allele origin: not applicable. Functional consequence: functionally_normal. Not counted in ClinVar's aggregate classification.
ClinVar note: "not provided" was previously submitted as the classification for the variant. However, the classification appeared to be based only on an observation of functional data so it was converted to no classification on 2025-07-30.

Literature cited by the submitters: PubMed 30209399 (cited by Labcorp Genetics (formerly Invitae), Labcorp and Color Diagnostics, LLC DBA Color Health); PubMed 20378548 (cited by Labcorp Genetics (formerly Invitae), Labcorp); PubMed 20516115 (cited by Labcorp Genetics (formerly Invitae), Labcorp and Color Diagnostics, LLC DBA Color Health); PubMed 28781887 (cited by Labcorp Genetics (formerly Invitae), Labcorp and Color Diagnostics, LLC DBA Color Health); PubMed 33558524 (cited by Labcorp Genetics (formerly Invitae), Labcorp); PubMed 16030099 (cited by Color Diagnostics, LLC DBA Color Health); PubMed 18284688 (cited by Color Diagnostics, LLC DBA Color Health); PubMed 23233716 (cited by Color Diagnostics, LLC DBA Color Health); PubMed 25628955 (cited by Color Diagnostics, LLC DBA Color Health); PubMed 26543556 (cited by Color Diagnostics, LLC DBA Color Health); PubMed 28959512 (cited by Color Diagnostics, LLC DBA Color Health).